The following is an entry in ClinVar:

NM_014244.5(ADAMTS2):c.366_367insTATAAGAGACAGT (p.Arg123fs)

Gene: ADAMTS2 (ADAM metallopeptidase with thrombospondin type 1 motif 2; minus strand). Cytogenetic location: 5q35.3.
Variant type: Insertion.
Coding change: c.366_367insTATAAGAGACAGT on transcript NM_014244.5 (MANE Select); coding-DNA positions 366 to 367, TATAAGAGACAGT inserted.
Protein change: p.Arg123fs; shifts the reading frame from arginine 123.
Molecular consequence: frameshift variant.
Genome position: GRCh38 VCF-style: chr5-179343934-G-GACTGTCTCTTATA. GRCh37 (hg19) VCF-style: chr5-178770935-G-GACTGTCTCTTATA.
Other names: c.366_367insTATAAGAGACAGT, p.Arg123fs (NM_021599.4); short protein forms R123fs.
Identifiers: ClinVar variation 5010985 (VCV005010985.1).
Genomic context (GRCh38, chr5:179,343,934, plus strand): 5'-TCTCGCCCTGCCACTCCATAGTGGCCCCGGGCGCCACGAGGCGGGCGTTGGGCCGCAGCC[G>GACTGTCTCTTATA]CAGGTGCAGGTCTCGGCCAAAGACCGTGACATTGTAGAAGAGGTGACTGCCAGGCTCCTC-3'

ClinVar aggregate classification (germline): Pathogenic (1 of 4 stars; one submission).

Conditions:
Ehlers-Danlos syndrome, dermatosparaxis type. Also called: EDS VIIC; Dermatosparaxis; Ehlers-Danlos syndrome, type VII, autosomal recessive. Identifiers: Orphanet 1901, MedGen C2700425, MONDO:0009161, OMIM 225410.

Submission:

Myriad Genetics, Inc.
Classification: Pathogenic for Ehlers-Danlos syndrome, dermatosparaxis type. Last evaluated: 2024-05-14. Review status: criteria provided, single submitter. Criteria: Myriad Autosomal Dominant, Autosomal Recessive and X-Linked Classification Criteria (2023). Collection method: clinical testing. Allele origin: unknown.
Comment: NM_014244.4(ADAMTS2):c.366_367ins13(R123Yfs*86) is expected to be pathogenic in the context of Ehlers-Danlos syndrome, ADAMTS2-related. This variant is predicted to lead to an abnormal or absent protein product due to the creation of a premature termination codon in ADAMTS2, a gene where loss-of-function variants are known to be pathogenic. Please note: this variant was assessed in the context of healthy population screening.